The following is an entry in ClinVar:

ClinVar aggregate classification (germline): Uncertain significance (1 of 4 stars; one submission).

Submission:

Labcorp Genetics (formerly Invitae), Labcorp
Classification: Uncertain significance. Last evaluated: 2021-06-22. Review status: criteria provided, single submitter. Criteria: Invitae Variant Classification Sherloc (09022015). Collection method: clinical testing. Allele origin: germline.
Comment: In summary, the available evidence is currently insufficient to determine the role of this variant in disease. Therefore, it has been classified as a Variant of Uncertain Significance. Algorithms developed to predict the effect of missense changes on protein structure and function are either unavailable or do not agree on the potential impact of this missense change (SIFT: "Not Available"; PolyPhen-2: "Benign"; Align-GVGD: "Not Available"). This variant has not been reported in the literature in individuals with TIMM50-related conditions. This variant is not present in population databases (ExAC no frequency). This sequence change replaces phenylalanine with leucine at codon 14 of the TIMM50 protein (p.Phe14Leu). The phenylalanine residue is weakly conserved and there is a small physicochemical difference between phenylalanine and leucine.

NC_000019.10:g.39480586C>A

Gene: TIMM50 (translocase of inner mitochondrial membrane 50; plus strand). Cytogenetic location: 19q13.2.
Variant type: single nucleotide variant.
Genome position: GRCh38 VCF-style: chr19-39480586-C-A. GRCh37 (hg19) VCF-style: chr19-39971226-C-A.
Identifiers: ClinVar variation 1500607 (VCV001500607.8), dbSNP rs116027315, ClinGen allele CA405784362.